The following is an entry in ClinVar:

ClinVar aggregate classification (germline): Uncertain significance (1 of 4 stars; one submission).

Allele frequency attached by ClinVar (database versions not stated): TOPMed below 0.00001; gnomAD 0.00001; ExAC 0.00002; gnomAD exomes 0.00002 and 0.00003.
gnomAD v4.1: 40 of 1,614,074 alleles (0.0025%); highest among the groups gnomAD compares: Non-Finnish European, 0.0033%; no homozygotes.

Submission:

Labcorp Genetics (formerly Invitae), Labcorp
Classification: Uncertain significance. Last evaluated: 2022-08-15. Review status: criteria provided, single submitter. Criteria: Invitae Variant Classification Sherloc (09022015). Collection method: clinical testing. Allele origin: germline.
Comment: ClinVar contains an entry for this variant (Variation ID: 1492724). This variant has not been reported in the literature in individuals affected with MYO5B-related conditions. This variant is present in population databases (rs557902503, gnomAD 0.007%). This sequence change replaces glycine, which is neutral and non-polar, with serine, which is neutral and polar, at codon 1330 of the MYO5B protein (p.Gly1330Ser). Algorithms developed to predict the effect of missense changes on protein structure and function are either unavailable or do not agree on the potential impact of this missense change (SIFT: "Deleterious"; PolyPhen-2: "Possibly Damaging"; Align-GVGD: "Class C0"). In summary, the available evidence is currently insufficient to determine the role of this variant in disease. Therefore, it has been classified as a Variant of Uncertain Significance.

NM_001080467.3(MYO5B):c.3988G>A (p.Gly1330Ser)

Gene: MYO5B (myosin VB; minus strand). Cytogenetic location: 18q21.1.
Variant type: single nucleotide variant.
Coding change: c.3988G>A on transcript NM_001080467.3 (MANE Select); coding-DNA position 3988, G replaced by A.
Protein change: p.Gly1330Ser; replaces glycine 1330 with serine.
Molecular consequence: missense variant.
Genome position (GRCh38, 1-based): chr18:49,856,847, C>T on the plus strand (G>A on the coding strand, the complement: MYO5B is on the minus strand). VCF-style: chr18-49856847-C-T. GRCh37 (hg19) VCF-style: chr18-47383217-C-T.
Other names: short protein forms G1330S.
Identifiers: ClinVar variation 1492724 (VCV001492724.8), dbSNP rs557902503, ClinGen allele CA8960494.